The following is an entry in ClinVar:

NM_001080467.3(MYO5B):c.4534G>A (p.Ala1512Thr)

Genes: SNHG22 (small nucleolar RNA host gene 22; plus strand), MYO5B (myosin VB; minus strand). Cytogenetic location: 18q21.1.
Variant type: single nucleotide variant.
Coding change: c.4534G>A on transcript NM_001080467.3 (MANE Select); coding-DNA position 4534, G replaced by A.
Protein change: p.Ala1512Thr; replaces alanine 1512 with threonine.
Molecular consequence: missense variant.
Genome position (GRCh38, 1-based): chr18:49,843,318, C>T on the plus strand (G>A on the coding strand, the complement: MYO5B is on the minus strand). VCF-style: chr18-49843318-C-T. GRCh37 (hg19) VCF-style: chr18-47369688-C-T.
Other names: c.4534G>A (NM_001080467.2); short protein forms A1512T.
Identifiers: ClinVar variation 1444735 (VCV001444735.5), dbSNP rs371788153, ClinGen allele CA8960323.

ClinVar aggregate classification (germline): Uncertain significance. Review status: criteria provided, multiple submitters, no conflicts (2 of 4 stars). 2 submissions from 2 submitters: Uncertain significance (2). Last evaluated 2025-08-07.

Conditions:
Inborn genetic diseases. Identifiers: MedGen C0950123, MeSH D030342.

Allele frequency attached by ClinVar (database versions not stated): ExAC 0.00003; gnomAD exomes 0.00003 and 0.00007; TOPMed 0.00005; gnomAD 0.00006 and 0.00007; ESP Exome Variant Server 0.00016.
gnomAD v4.1: 109 of 1,614,074 alleles (0.0068%); highest among the groups gnomAD compares: Middle Eastern, 0.016%; no homozygotes.

Submissions (2):

Ambry Genetics
Classification: Uncertain significance for Inborn genetic diseases. Last evaluated: 2025-08-07. Review status: criteria provided, single submitter. Criteria: Ambry Variant Classification Scheme 2023. Collection method: clinical testing. Allele origin: germline.

Labcorp Genetics (formerly Invitae), Labcorp
Classification: Uncertain significance. Last evaluated: 2022-09-19. Review status: criteria provided, single submitter. Criteria: Invitae Variant Classification Sherloc (09022015). Collection method: clinical testing. Allele origin: germline.
Comment: This sequence change replaces alanine, which is neutral and non-polar, with threonine, which is neutral and polar, at codon 1512 of the MYO5B protein (p.Ala1512Thr). This variant is present in population databases (rs371788153, gnomAD 0.008%). This variant has not been reported in the literature in individuals affected with MYO5B-related conditions. ClinVar contains an entry for this variant (Variation ID: 1444735). Advanced modeling of protein sequence and biophysical properties (such as structural, functional, and spatial information, amino acid conservation, physicochemical variation, residue mobility, and thermodynamic stability) performed at Invitae indicates that this missense variant is not expected to disrupt MYO5B protein function. In summary, the available evidence is currently insufficient to determine the role of this variant in disease. Therefore, it has been classified as a Variant of Uncertain Significance.